The following is an entry in ClinVar:

NM_001370298.3(FGD4):c.1463G>C (p.Arg488Pro)

Gene: FGD4 (FYVE, RhoGEF and PH domain containing 4; plus strand). Cytogenetic location: 12p11.21.
Variant type: single nucleotide variant.
Coding change: c.1463G>C on transcript NM_001370298.3 (MANE Select); coding-DNA position 1463, G replaced by C.
Protein change: p.Arg488Pro; replaces arginine 488 with proline.
Molecular consequence: missense variant.
Genome position (GRCh38, 1-based): chr12:32,608,015, G>C. VCF-style: chr12-32608015-G-C. GRCh37 (hg19) VCF-style: chr12-32760949-G-C.
Other names: c.1307G>C, p.Arg436Pro (NM_001304481.2); c.308G>C, p.Arg103Pro (NM_001304483.2); c.20G>C, p.Arg7Pro (NM_001304484.2); c.773G>C, p.Arg258Pro (NM_001330373.2, NM_001330374.2, NM_001384130.1); c.500G>C, p.Arg167Pro (NM_001370297.1); c.1463G>C, p.Arg488Pro (NM_001384126.1); c.1052G>C, p.Arg351Pro (NM_001384127.1, NM_001384128.1, NM_001385118.1 and 1 more transcripts); short protein forms R258P, R436P, R488P, R167P, R351P, R103P, R7P.
Identifiers: ClinVar variation 1390309 (VCV001390309.6), dbSNP rs138762438, ClinGen allele CA384360462.

ClinVar aggregate classification (germline): Uncertain significance (1 of 4 stars; one submission).

Conditions:
Charcot-Marie-Tooth disease type 4. Also called: Charcot-Marie-Tooth disease, type IV; Charcot-Marie-Tooth, Type 4. Identifiers: Orphanet 64749, MedGen C4082197, MONDO:0018995.

Submission:

Labcorp Genetics (formerly Invitae), Labcorp
Classification: Uncertain significance for Charcot-Marie-Tooth disease type 4. Last evaluated: 2022-10-17. Review status: criteria provided, single submitter. Criteria: Invitae Variant Classification Sherloc (09022015). Collection method: clinical testing. Allele origin: germline.
Comment: This variant has not been reported in the literature in individuals affected with FGD4-related conditions. ClinVar contains an entry for this variant (Variation ID: 1390309). Advanced modeling of protein sequence and biophysical properties (such as structural, functional, and spatial information, amino acid conservation, physicochemical variation, residue mobility, and thermodynamic stability) performed at Invitae indicates that this missense variant is expected to disrupt FGD4 protein function. In summary, the available evidence is currently insufficient to determine the role of this variant in disease. Therefore, it has been classified as a Variant of Uncertain Significance. This variant is not present in population databases (gnomAD no frequency). This sequence change replaces arginine, which is basic and polar, with proline, which is neutral and non-polar, at codon 351 of the FGD4 protein (p.Arg351Pro).